The following is an entry in ClinVar:

NM_000532.5(PCCB):c.73del (p.Val25fs)

Gene: PCCB (propionyl-CoA carboxylase subunit beta; plus strand). Cytogenetic location: 3q22.3.
Variant type: Deletion.
Coding change: c.73del on transcript NM_000532.5 (MANE Select); coding-DNA position 73, one base deleted (G; older notation c.73delG).
Protein change: p.Val25fs; shifts the reading frame from valine 25.
Molecular consequence: frameshift variant.
Genome position (GRCh38, 1-based): chr3:136,250,448, G deleted; the last of 2 consecutive G bases (chr3:136,250,447-136,250,448); deleting either gives the same sequence. VCF-style (leftmost placement, unchanged base first): chr3-136250446-CG-C. GRCh37 (hg19) VCF-style: chr3-135969288-CG-C.
Other names: c.73del, p.Val25fs (NM_001178014.2); short protein forms V25fs.
Identifiers: ClinVar variation 3662598 (VCV003662598.2).
Genomic context (GRCh38, chr3:136,250,446, plus strand): 5'-CATTACGGGTGGCGGCGGTCGGGGCAAGGCTCAGCGTTCTGGCGAGCGGTCTCCGCGCCG[CG>C]GTCCGCAGCCTTTGCAGCCAGGCCACCTCTGTTAACGAACGCATCGAAAACAAGCGCCGG-3'

ClinVar aggregate classification (germline): Pathogenic (1 of 4 stars; one submission).

Conditions:
Propionic acidemia (PROP). Also called: GLYCINEMIA, KETOTIC; HYPERGLYCINEMIA WITH KETOACIDOSIS AND LEUKOPENIA; KETOTIC HYPERGLYCINEMIA. Identifiers: Orphanet 35, MedGen C0268579, MONDO:0011628, OMIM 606054, HP:0003571.

Submission:

Labcorp Genetics (formerly Invitae), Labcorp
Classification: Pathogenic for Propionic acidemia. Last evaluated: 2024-08-15. Review status: criteria provided, single submitter. Criteria: Invitae Variant Classification Sherloc (09022015). Collection method: clinical testing. Allele origin: germline.
Comment: This sequence change creates a premature translational stop signal (p.Val25Serfs*40) in the PCCB gene. It is expected to result in an absent or disrupted protein product. Loss-of-function variants in PCCB are known to be pathogenic (PMID: 15464417). This variant is not present in population databases (gnomAD no frequency). This variant has not been reported in the literature in individuals affected with PCCB-related conditions. For these reasons, this variant has been classified as Pathogenic.

Literature cited by the submitters: PubMed 15464417.